The following is an entry in ClinVar:

ClinVar aggregate classification (germline): Uncertain significance (1 of 4 stars; one submission).

Allele frequency attached by ClinVar (database versions not stated): gnomAD exomes below 0.00001 and 0.00001; ExAC 0.00001; gnomAD 0.00001; 1000 Genomes Project 30x 0.00016; 1000 Genomes Project 0.00020.
gnomAD v4.1: 4 of 1,612,128 alleles (0.00025%); highest among the groups gnomAD compares: East Asian, 0.0067%; no homozygotes.

Submission:

Labcorp Genetics (formerly Invitae), Labcorp
Classification: Uncertain significance. Last evaluated: 2021-02-01. Review status: criteria provided, single submitter. Criteria: Invitae Variant Classification Sherloc (09022015). Collection method: clinical testing. Allele origin: germline.
Comment: This sequence change replaces alanine with valine at codon 178 of the SPINT2 protein (p.Ala178Val). The alanine residue is moderately conserved and there is a small physicochemical difference between alanine and valine. This variant is present in population databases (rs566177111, ExAC 0.01%). This variant has not been reported in the literature in individuals with SPINT2-related conditions. Algorithms developed to predict the effect of missense changes on protein structure and function (SIFT, PolyPhen-2, Align-GVGD) all suggest that this variant is likely to be tolerated, but these predictions have not been confirmed by published functional studies and their clinical significance is uncertain. Algorithms developed to predict the effect of sequence changes on RNA splicing suggest that this variant may create or strengthen a splice site, but this prediction has not been confirmed by published transcriptional studies. In summary, the available evidence is currently insufficient to determine the role of this variant in disease. Therefore, it has been classified as a Variant of Uncertain Significance.

NM_021102.4(SPINT2):c.533C>T (p.Ala178Val)

Gene: SPINT2 (serine peptidase inhibitor, Kunitz type 2; plus strand). Cytogenetic location: 19q13.2.
Variant type: single nucleotide variant.
Coding change: c.533C>T on transcript NM_021102.4 (MANE Select); coding-DNA position 533, C replaced by T.
Protein change: p.Ala178Val; replaces alanine 178 with valine.
Molecular consequence: missense variant.
Genome position (GRCh38, 1-based): chr19:38,290,260, C>T. VCF-style: chr19-38290260-C-T. GRCh37 (hg19) VCF-style: chr19-38780900-C-T.
Other names: c.362C>T, p.Ala121Val (NM_001166103.2); short protein forms A121V, A178V.
Identifiers: ClinVar variation 1401133 (VCV001401133.7), dbSNP rs566177111, ClinGen allele CA9411497.